The following is an entry in ClinVar:

NM_015599.3(PGM3):c.64C>G (p.Gln22Glu)

Gene: PGM3 (phosphoglucomutase 3; minus strand). Cytogenetic location: 6q14.1.
Variant type: single nucleotide variant.
Coding change: c.64C>G on transcript NM_015599.3 (MANE Select); coding-DNA position 64, C replaced by G.
Protein change: p.Gln22Glu; replaces glutamine 22 with glutamic acid.
Molecular consequence: missense variant. On other transcripts: non-coding transcript variant (1), intron variant (1).
Genome position (GRCh38, 1-based): chr6:83,190,949, G>C on the plus strand (C>G on the coding strand, the complement: PGM3 is on the minus strand). VCF-style: chr6-83190949-G-C. GRCh37 (hg19) VCF-style: chr6-83900668-G-C.
Other names: c.148C>G, p.Gln50Glu (NM_001199917.2, NM_001367287.1); c.64C>G, p.Gln22Glu (NM_001199919.2, NM_001367286.1); c.-39-2151C>G (NM_001199918.2); short protein forms Q50E, Q22E.
Identifiers: ClinVar variation 2127508 (VCV002127508.4), dbSNP rs2538235439, ClinGen allele CA364854000.
Genomic context (GRCh38, chr6:83,190,949, plus strand): 5'-TGCGAAACATGACATGATCAAGATGTTCTGCCTTCGTTCGAAATCCAGCAGTCCCGTATT[G>C]AAGGATCAGTCCATTGGGCTTGGCGTGTAATGCTGAGTATTTTGTAATAGCACCTAAATC-3'
Protein context (NP_056414.1, residues 12-32): LHAKPNGLIL[Gln22Glu]YGTAGFRTKA

ClinVar aggregate classification (germline): Uncertain significance (1 of 4 stars; one submission).

Conditions:
Immunodeficiency 23 (IMD23). Also called: IMMUNODEFICIENCY WITH HYPER IgE AND COGNITIVE IMPAIRMENT; IMMUNODEFICIENCY-VASCULITIS-MYOCLONUS SYNDROME. Identifiers: Orphanet 443811, MedGen C4014371, MONDO:0014353, OMIM 615816.

Submission:

Labcorp Genetics (formerly Invitae), Labcorp
Classification: Uncertain significance for Immunodeficiency 23. Last evaluated: 2022-10-18. Review status: criteria provided, single submitter. Criteria: Invitae Variant Classification Sherloc (09022015). Collection method: clinical testing. Allele origin: germline.
Comment: In summary, the available evidence is currently insufficient to determine the role of this variant in disease. Therefore, it has been classified as a Variant of Uncertain Significance. Algorithms developed to predict the effect of missense changes on protein structure and function (SIFT, PolyPhen-2, Align-GVGD) all suggest that this variant is likely to be tolerated. This variant has not been reported in the literature in individuals affected with PGM3-related conditions. This variant is not present in population databases (gnomAD no frequency). This sequence change replaces glutamine, which is neutral and polar, with glutamic acid, which is acidic and polar, at codon 50 of the PGM3 protein (p.Gln50Glu).